The following is an entry in ClinVar:

NM_001378074.1(BOC):c.2865G>A (p.Gln955=)

Gene: BOC (BOC cell adhesion associated, oncogene regulated; plus strand). Cytogenetic location: 3q13.2.
Variant type: single nucleotide variant.
Coding change: c.2865G>A on transcript NM_001378074.1 (MANE Select); coding-DNA position 2865, G replaced by A.
Protein change: p.Gln955=; no amino-acid change (glutamine 955 retained).
Molecular consequence: synonymous variant. On other transcripts: non-coding transcript variant (1).
Genome position (GRCh38, 1-based): chr3:113,284,543, G>A. VCF-style: chr3-113284543-G-A. GRCh37 (hg19) VCF-style: chr3-113003390-G-A.
Other names: c.2865G>A, p.Gln955= (NM_001301861.2, NM_001378073.1, NM_001387919.1); c.2862G>A, p.Gln954= (NM_001378075.1, NM_001387920.1, NM_001387921.1 and 2 more transcripts); c.2592G>A, p.Gln864= (NM_001387924.1).
Identifiers: ClinVar variation 2654038 (VCV002654038.24), dbSNP rs759135103, ClinGen allele CA2543334.

ClinVar aggregate classification (germline): Likely benign (1 of 4 stars; one submission).

Allele frequency attached by ClinVar (database versions not stated): ExAC 0.00001; gnomAD exomes 0.00001; gnomAD 0.00005; TOPMed 0.00007.
gnomAD v4.1: 28 of 1,613,438 alleles (0.0017%); highest among the groups gnomAD compares: African/African-American, 0.027%; no homozygotes.

Submission:

CeGaT Center for Human Genetics Tuebingen
Classification: Likely benign. Last evaluated: 2022-05-01. Review status: criteria provided, single submitter. Criteria: CeGaT Center For Human Genetics Tuebingen Variant Classification Criteria Version 2. Collection method: clinical testing. Allele origin: germline. Affected: yes. Observed: 1 variant allele.
Comment: BOC: BP4, BP7